The following is an entry in ClinVar:

ClinVar aggregate classification (germline): Uncertain significance (1 of 4 stars; one submission).

Conditions:
Congenital contractural arachnodactyly (CCA). Also called: BEALS SYNDROME; Arthrogryposis, distal, type 9; Beals-Hecht syndrome. Identifiers: Orphanet 115, MedGen C0220668, MONDO:0007363, OMIM 121050.

Submission:

Labcorp Genetics (formerly Invitae), Labcorp
Classification: Uncertain significance for Congenital contractural arachnodactyly. Last evaluated: 2023-09-25. Review status: criteria provided, single submitter. Criteria: Invitae Variant Classification Sherloc (09022015). Collection method: clinical testing. Allele origin: germline.
Comment: In summary, the available evidence is currently insufficient to determine the role of this variant in disease. Therefore, it has been classified as a Variant of Uncertain Significance. Advanced modeling of protein sequence and biophysical properties (such as structural, functional, and spatial information, amino acid conservation, physicochemical variation, residue mobility, and thermodynamic stability) has been performed at Invitae for this missense variant, however the output from this modeling did not meet the statistical confidence thresholds required to predict the impact of this variant on FBN2 protein function. This variant has not been reported in the literature in individuals affected with FBN2-related conditions. This variant is not present in population databases (gnomAD no frequency). This sequence change replaces lysine, which is basic and polar, with asparagine, which is neutral and polar, at codon 2507 of the FBN2 protein (p.Lys2507Asn).

NM_001999.4(FBN2):c.7521G>T (p.Lys2507Asn)

Gene: FBN2 (fibrillin 2; minus strand). Cytogenetic location: 5q23.3.
Variant type: single nucleotide variant.
Coding change: c.7521G>T on transcript NM_001999.4 (MANE Select); coding-DNA position 7521, G replaced by T.
Protein change: p.Lys2507Asn; replaces lysine 2507 with asparagine.
Molecular consequence: missense variant.
Genome position (GRCh38, 1-based): chr5:128,276,111, C>A on the plus strand (G>T on the coding strand, the complement: FBN2 is on the minus strand). VCF-style: chr5-128276111-C-A. GRCh37 (hg19) VCF-style: chr5-127611803-C-A.
Other names: short protein forms K2507N.
Identifiers: ClinVar variation 2978508 (VCV002978508.3), dbSNP rs2479644079, ClinGen allele CA360753893.
Genomic context (GRCh38, chr5:128,276,111, plus strand): 5'-TCCATCCTCTTGCAGGACATACCCCCTCGGACATGAACACTGATAACTCCCCTCAGTGTT[C>A]TTGCAGATGTAGTTGCATGGTTTCGGGGACTGGGAGCATTCATCAAGGTCTAAGTAAAAG-3'
Protein context (NP_001990.2, residues 2497-2517): QSPKPCNYIC[Lys2507Asn]NTEGSYQCSC